The following is an entry in ClinVar:

ClinVar aggregate classification (germline): Likely benign (1 of 4 stars; one submission).

Allele frequency attached by ClinVar (database versions not stated): gnomAD 0.00001.

Submission:

GeneDx
Classification: Likely benign. Last evaluated: 2016-02-12. Review status: criteria provided, single submitter. Criteria: GeneDx Variant Classification (06012015). Collection method: clinical testing. Allele origin: germline. Affected: yes.
Comment: This variant is considered likely benign or benign based on one or more of the following criteria: it is a conservative change, it occurs at a poorly conserved position in the protein, it is predicted to be benign by multiple in silico algorithms, and/or has population frequency not consistent with disease.

NM_001199107.2(TBC1D24):c.-121G>A

Genes: TBC1D24 (TBC1 domain family member 24; plus strand), LOC130058245 (ATAC-STARR-seq lymphoblastoid silent region 7054; plus strand). Cytogenetic location: 16p13.3.
Variant type: single nucleotide variant.
Coding change: c.-121G>A on transcript NM_001199107.2 (MANE Select); 121 bases upstream of the start codon, G replaced by A.
Molecular consequence: 5 prime UTR variant.
Genome position (GRCh38, 1-based): chr16:2,475,165, G>A. VCF-style: chr16-2475165-G-A. GRCh37 (hg19) VCF-style: chr16-2525166-G-A.
Other names: c.-121G>A (NM_020705.3).
Identifiers: ClinVar variation 383682 (VCV000383682.1), dbSNP rs1057521709, ClinGen allele CA16608127.